The following is an entry in ClinVar:

NM_002187.3(IL12B):c.623T>C (p.Ile208Thr)

Gene: IL12B (interleukin 12B; minus strand). Cytogenetic location: 5q33.3.
Variant type: single nucleotide variant.
Coding change: c.623T>C on transcript NM_002187.3 (MANE Select); coding-DNA position 623, T replaced by C.
Protein change: p.Ile208Thr; replaces isoleucine 208 with threonine.
Molecular consequence: missense variant.
Genome position (GRCh38, 1-based): chr5:159,320,380, A>G on the plus strand (T>C on the coding strand, the complement: IL12B is on the minus strand). VCF-style: chr5-159320380-A-G. GRCh37 (hg19) VCF-style: chr5-158747388-A-G.
Other names: c.623T>C (NM_002187.2); short protein forms I208T.
Identifiers: ClinVar variation 1040966 (VCV001040966.8), dbSNP rs138127918, ClinGen allele CA3538755.
Genomic context (GRCh38, chr5:159,320,380, plus strand): 5'-AAGAAGCTGCTGGTGTAGTTTTCATACTTGAGCTTGTGAACGGCATCCACCATGACCTCA[A>G]TGGGCAGACTCTCCTCAGCAGCTGGGCAGGCACTGTCCTCCTGGCACTCCACTGAGTACT-3'
Protein context (NP_002178.2, residues 198-218): ACPAAEESLP[Ile208Thr]EVMVDAVHKL

ClinVar aggregate classification (germline): Uncertain significance. Review status: criteria provided, multiple submitters, no conflicts (2 of 4 stars). 2 submissions from 2 submitters: Uncertain significance (2). Last evaluated 2023-10-03.

Conditions:
Mendelian susceptibility to mycobacterial diseases due to complete IL12B deficiency. Also called: IL12B DEFICIENCY; Immunodeficiency 29. Identifiers: Orphanet 319558, MedGen C4013948, MONDO:0013954, OMIM 614890.
Inborn genetic diseases. Identifiers: MedGen C0950123, MeSH D030342.

Allele frequency attached by ClinVar (database versions not stated): gnomAD 0.00001; gnomAD exomes 0.00001; TOPMed 0.00001; ExAC 0.00002; ESP Exome Variant Server 0.00008.
gnomAD v4.1: 12 of 1,613,982 alleles (0.00074%); highest among the groups gnomAD compares: African/African-American, 0.0013%; no homozygotes.

Submissions (2):

Ambry Genetics
Classification: Uncertain significance for Inborn genetic diseases. Last evaluated: 2023-10-03. Review status: criteria provided, single submitter. Criteria: Ambry Variant Classification Scheme 2023. Collection method: clinical testing. Allele origin: germline.

Labcorp Genetics (formerly Invitae), Labcorp
Classification: Uncertain significance for Mendelian susceptibility to mycobacterial diseases due to complete IL12B deficiency. Last evaluated: 2020-08-30. Review status: criteria provided, single submitter. Criteria: Invitae Variant Classification Sherloc (09022015). Collection method: clinical testing. Allele origin: germline.
Comment: In summary, the available evidence is currently insufficient to determine the role of this variant in disease. Therefore, it has been classified as a Variant of Uncertain Significance. Algorithms developed to predict the effect of missense changes on protein structure and function are either unavailable or do not agree on the potential impact of this missense change (SIFT: "Tolerated"; PolyPhen-2: "Possibly Damaging"; Align-GVGD: "Class C0"). This variant has not been reported in the literature in individuals with IL12B-related conditions. This variant is present in population databases (rs138127918, ExAC 0.003%). This sequence change replaces isoleucine with threonine at codon 208 of the IL12B protein (p.Ile208Thr). The isoleucine residue is moderately conserved and there is a moderate physicochemical difference between isoleucine and threonine.